The following is an entry in ClinVar:

NM_005751.5(AKAP9):c.9389A>G (p.Gln3130Arg)

Gene: AKAP9 (A-kinase anchoring protein 9; plus strand). Cytogenetic location: 7q21.2.
Variant type: single nucleotide variant.
Coding change: c.9389A>G on transcript NM_005751.5 (MANE Select); coding-DNA position 9389, A replaced by G.
Protein change: p.Gln3130Arg; replaces glutamine 3130 with arginine.
Molecular consequence: missense variant.
Genome position (GRCh38, 1-based): chr7:92,093,127, A>G. VCF-style: chr7-92093127-A-G. GRCh37 (hg19) VCF-style: chr7-91722441-A-G.
Other names: c.4034A>G, p.Gln1345Arg (NM_001379277.1); c.9365A>G, p.Gln3122Arg (NM_147185.3); short protein forms Q3130R, Q3122R, Q1345R.
Identifiers: ClinVar variation 4033648 (VCV004033648.1).
Genomic context (GRCh38, chr7:92,093,127, plus strand): 5'-TGTTTCAAATATTAATCATGTTCTGTGTAGAACTCTTGGAATATAATATACAGCAGAAGC[A>G]GTCTCAAATGCTGGAGATGCAAGTGGAGCTCAGCAGTATGAAAGACAGAGCAACGGAACT-3'
Protein context (NP_005742.4, residues 3120-3140): ELLEYNIQQK[Gln3130Arg]SQMLEMQVEL

ClinVar aggregate classification (germline): Uncertain significance (1 of 4 stars; one submission).

Conditions:
Cardiovascular phenotype. Identifiers: MedGen CN230736.

Submission:

Ambry Genetics
Classification: Uncertain significance for Cardiovascular phenotype. Last evaluated: 2025-03-23. Review status: criteria provided, single submitter. Criteria: Ambry Variant Classification Scheme 2023. Collection method: clinical testing. Allele origin: germline.
Comment: The p.Q3130R variant (also known as c.9389A>G), located in coding exon 39 of the AKAP9 gene, results from an A to G substitution at nucleotide position 9389. The glutamine at codon 3130 is replaced by arginine, an amino acid with highly similar properties. This amino acid position is conserved. In addition, this alteration is predicted to be tolerated by in silico analysis. Based on the available evidence, the clinical significance of this variant remains unclear.